The following is an entry in ClinVar:

NM_007259.5(VPS45):c.304A>G (p.Ile102Val)

Gene: VPS45 (vacuolar protein sorting 45 homolog; plus strand). Cytogenetic location: 1q21.2.
Variant type: single nucleotide variant.
Coding change: c.304A>G on transcript NM_007259.5 (MANE Select); coding-DNA position 304, A replaced by G.
Protein change: p.Ile102Val; replaces isoleucine 102 with valine.
Molecular consequence: missense variant. On other transcripts: non-coding transcript variant (1).
Genome position (GRCh38, 1-based): chr1:150,076,247, A>G. VCF-style: chr1-150076247-A-G. GRCh37 (hg19) VCF-style: chr1-150048325-A-G.
Other names: c.196A>G, p.Ile66Val (NM_001279353.2, NM_001279354.2); short protein forms I66V, I102V.
Identifiers: ClinVar variation 2119420 (VCV002119420.4), dbSNP rs1655377553, ClinGen allele CA342261898.

ClinVar aggregate classification (germline): Uncertain significance (1 of 4 stars; one submission).

Conditions:
Congenital neutropenia-myelofibrosis-nephromegaly syndrome. Also called: Severe congenital neutropenia 5, autosomal recessive. Identifiers: Orphanet 369852, MedGen C3809031, MONDO:0014118, OMIM 615285.

Allele frequency attached by ClinVar (database versions not stated): TOPMed below 0.00001; gnomAD 0.00001.
gnomAD v4.1: 2 of 1,605,626 alleles (0.00012%); highest among the groups gnomAD compares: African/African-American, 0.0027%; no homozygotes.

Submission:

Labcorp Genetics (formerly Invitae), Labcorp
Classification: Uncertain significance for Congenital neutropenia-myelofibrosis-nephromegaly syndrome. Last evaluated: 2024-11-05. Review status: criteria provided, single submitter. Criteria: Invitae Variant Classification Sherloc (09022015). Collection method: clinical testing. Allele origin: germline.
Comment: This sequence change replaces isoleucine, which is neutral and non-polar, with valine, which is neutral and non-polar, at codon 102 of the VPS45 protein (p.Ile102Val). This variant is not present in population databases (gnomAD no frequency). This variant has not been reported in the literature in individuals affected with VPS45-related conditions. ClinVar contains an entry for this variant (Variation ID: 2119420). Invitae Evidence Modeling of protein sequence and biophysical properties (such as structural, functional, and spatial information, amino acid conservation, physicochemical variation, residue mobility, and thermodynamic stability) indicates that this missense variant is not expected to disrupt VPS45 protein function with a negative predictive value of 80%. In summary, the available evidence is currently insufficient to determine the role of this variant in disease. Therefore, it has been classified as a Variant of Uncertain Significance.